The following is an entry in ClinVar:

NM_172341.4(PSENEN):c.175C>T (p.Arg59Cys)

Gene: PSENEN (presenilin enhancer, gamma-secretase subunit; plus strand). Cytogenetic location: 19q13.12.
Variant type: single nucleotide variant.
Coding change: c.175C>T on transcript NM_172341.4 (MANE Select); coding-DNA position 175, C replaced by T.
Protein change: p.Arg59Cys; replaces arginine 59 with cysteine.
Molecular consequence: missense variant.
Genome position (GRCh38, 1-based): chr19:35,746,716, C>T. VCF-style: chr19-35746716-C-T. GRCh37 (hg19) VCF-style: chr19-36237617-C-T.
Other names: c.175C>T, p.Arg59Cys (NM_001281532.3); short protein forms R59C.
Identifiers: ClinVar variation 2416343 (VCV002416343.6), dbSNP rs993882881, ClinGen allele CA307810680.

ClinVar aggregate classification (germline): Uncertain significance (1 of 4 stars; one submission).

Allele frequency attached by ClinVar (database versions not stated): gnomAD exomes below 0.00001; TOPMed 0.00002.
gnomAD v4.1: 6 of 1,614,138 alleles (0.00037%); highest among the groups gnomAD compares: African/African-American, 0.004%; no homozygotes.

Submission:

Labcorp Genetics (formerly Invitae), Labcorp
Classification: Uncertain significance. Last evaluated: 2026-02-02. Review status: criteria provided, single submitter. Criteria: Invitae Variant Classification Sherloc (09022015). Collection method: clinical testing. Allele origin: germline.
Comment: This sequence change replaces arginine, which is basic and polar, with cysteine, which is neutral and slightly polar, at codon 59 of the PSENEN protein (p.Arg59Cys). This variant is present in population databases (no rsID available, gnomAD 0.0009%). This variant has not been reported in the literature in individuals affected with PSENEN-related conditions. ClinVar contains an entry for this variant (Variation ID: 2416343). An algorithm developed to predict the effect of missense changes on protein structure and function (PolyPhen-2) suggests that this variant is likely to be tolerated. In summary, the available evidence is currently insufficient to determine the role of this variant in disease. Therefore, it has been classified as a Variant of Uncertain Significance.